The following is an entry in ClinVar:

ClinVar aggregate classification (germline): Uncertain significance. Review status: criteria provided, multiple submitters, no conflicts (2 of 4 stars). 3 submissions from 3 submitters: Uncertain significance (3). Last evaluated 2026-02-20.

Conditions:
LAMB3-related disorder. Also called: LAMB3-related condition.
Inborn genetic diseases. Identifiers: MedGen C0950123, MeSH D030342.

Allele frequency attached by ClinVar (database versions not stated): ESP Exome Variant Server 0.00008; ExAC 0.00017; TOPMed 0.00021; gnomAD 0.00027; gnomAD exomes 0.00031.
gnomAD v4.1: 492 of 1,614,098 alleles (0.03%); highest among the groups gnomAD compares: Non-Finnish European, 0.037%; no homozygotes.

Submissions (3):

PreventionGenetics, part of Exact Sciences
Classification: Uncertain significance for LAMB3-related condition. Last evaluated: 2026-02-20. Review status: criteria provided, single submitter. Criteria: ACMG Guidelines, 2015. Collection method: clinical testing. Allele origin: germline.
Comment: The LAMB3 c.898C>T variant is predicted to result in the amino acid substitution p.Arg300Trp. To our knowledge, this variant has not been reported in the literature. This variant is reported in 0.048% of alleles in individuals of European (Finnish) descent in gnomAD. At this time, the clinical significance of this variant is uncertain due to the absence of conclusive functional and genetic evidence.

Ambry Genetics
Classification: Uncertain significance for Inborn genetic diseases. Last evaluated: 2025-03-07. Review status: criteria provided, single submitter. Criteria: Ambry Variant Classification Scheme 2023. Collection method: clinical testing. Allele origin: germline.

Labcorp Genetics (formerly Invitae), Labcorp
Classification: Uncertain significance. Last evaluated: 2022-01-21. Review status: criteria provided, single submitter. Criteria: Invitae Variant Classification Sherloc (09022015). Collection method: clinical testing. Allele origin: germline.
Comment: This sequence change replaces arginine, which is basic and polar, with tryptophan, which is neutral and slightly polar, at codon 300 of the LAMB3 protein (p.Arg300Trp). This variant is present in population databases (rs368834085, gnomAD 0.04%). This variant has not been reported in the literature in individuals affected with LAMB3-related conditions. Algorithms developed to predict the effect of missense changes on protein structure and function are either unavailable or do not agree on the potential impact of this missense change (SIFT: "Deleterious"; PolyPhen-2: "Possibly Damaging"; Align-GVGD: "Class C0"). In summary, the available evidence is currently insufficient to determine the role of this variant in disease. Therefore, it has been classified as a Variant of Uncertain Significance.

NM_000228.3(LAMB3):c.898C>T (p.Arg300Trp)

Gene: LAMB3 (laminin subunit beta 3; minus strand). Cytogenetic location: 1q32.2.
Variant type: single nucleotide variant.
Coding change: c.898C>T on transcript NM_000228.3 (MANE Select); coding-DNA position 898, C replaced by T.
Protein change: p.Arg300Trp; replaces arginine 300 with tryptophan.
Molecular consequence: missense variant.
Genome position (GRCh38, 1-based): chr1:209,630,660, G>A on the plus strand (C>T on the coding strand, the complement: LAMB3 is on the minus strand). VCF-style: chr1-209630660-G-A. GRCh37 (hg19) VCF-style: chr1-209804005-G-A.
Other names: c.898C>T, p.Arg300Trp (NM_001017402.2, NM_001127641.1); c.898C>T (NM_000228.2); short protein forms R300W.
Identifiers: ClinVar variation 2198093 (VCV002198093.4), dbSNP rs368834085, ClinGen allele CA1375791.